The following is an entry in ClinVar:

ClinVar aggregate classification (germline): Likely benign. Review status: criteria provided, multiple submitters, no conflicts (2 of 4 stars). 2 submissions from 2 submitters: Likely benign (2). Last evaluated 2024-12-12.

Conditions:
Cardiomyopathy (CMYO). Also called: Cardiomyopathies. Identifiers: Orphanet 167848, MedGen C0878544, MONDO:0004994, HP:0001638. Inheritance: Various modes of inheritance.
Hypertrophic cardiomyopathy. Also called: HYPERTROPHIC MYOCARDIOPATHY. Identifiers: Orphanet 217569, MedGen C0007194, MeSH D002312, MONDO:0005045, HP:0001639.

Allele frequency attached by ClinVar (database versions not stated): ExAC 0.00001.

Submissions (2):

Labcorp Genetics (formerly Invitae), Labcorp
Classification: Likely benign for Hypertrophic cardiomyopathy. Last evaluated: 2024-12-12. Review status: criteria provided, single submitter. Criteria: Invitae Variant Classification Sherloc (09022015). Collection method: clinical testing. Allele origin: germline.

All of Us Research Program, National Institutes of Health
Classification: Likely benign for Cardiomyopathy. Last evaluated: 2024-02-05. Review status: criteria provided, single submitter. Criteria: ACMG Guidelines, 2015. Collection method: clinical testing. Allele origin: germline. Inheritance: Autosomal dominant inheritance. Observed: 2 variant alleles, 2 heterozygotes.
Comment: This study involves interpretation of variants in research participants for the purpose of population health screening. Participant phenotype was not available at the time of variant classification. Additional details can be found in publication PMID: 35346344, PMCID: PMC8962531

NM_000257.4(MYH7):c.4848G>A (p.Lys1616=)

Genes: MHRT (myosin heavy chain associated RNA transcript; plus strand), MYH7 (myosin heavy chain 7; minus strand), LOC126861897 (BRD4-independent group 4 enhancer GRCh37_chr14:23884455-23885654; plus strand). Cytogenetic location: 14q11.2.
Variant type: single nucleotide variant.
Coding change: c.4848G>A on transcript NM_000257.4 (MANE Select); coding-DNA position 4848, G replaced by A.
Protein change: p.Lys1616=; no amino-acid change (lysine 1616 retained).
Molecular consequence: synonymous variant. On other transcripts: non-coding transcript variant (1).
Genome position (GRCh38, 1-based): chr14:23,416,109, C>T on the plus strand (G>A on the coding strand, the complement: MYH7 is on the minus strand). VCF-style: chr14-23416109-C-T. GRCh37 (hg19) VCF-style: chr14-23885318-C-T.
Other names: c.4848G>A, p.Lys1616= (NM_001407004.1).
Identifiers: ClinVar variation 3075424 (VCV003075424.3), dbSNP rs755981142, ClinGen allele CA044065.